The following is an entry in ClinVar:

ClinVar aggregate classification (germline): Uncertain significance (0 of 4 stars; one submission).

Submission:

Greenwood Genetic Center Diagnostic Laboratories, Greenwood Genetic Center
Classification: Uncertain significance. Last evaluated: 2021-04-23. Review status: no assertion criteria provided. Collection method: clinical testing. Allele origin: germline. Affected: yes.
Comment: Gene of uncertain significance

NM_015080.4(NRXN2):c.589_591delinsATA (p.Leu197Ile)

Gene: NRXN2 (neurexin 2; minus strand). Cytogenetic location: 11q13.1.
Variant type: Indel.
Coding change: c.589_591delinsATA on transcript NM_015080.4 (MANE Select); coding-DNA positions 589 to 591, CTG replaced by ATA.
Protein change: p.Leu197Ile; replaces leucine 197 with isoleucine.
Molecular consequence: missense variant.
Genome position (GRCh38, 1-based): chr11:64,713,109-64,713,111, CAG replaced by TAT on the plus strand (CTG replaced by ATA on the coding strand, the reverse complement: NRXN2 is on the minus strand). VCF-style: chr11-64713109-CAG-TAT. GRCh37 (hg19) VCF-style: chr11-64480581-CAG-TAT.
Other names: c.589_591delinsATA, p.Leu197Ile (NM_001376262.1, NM_001376263.1, NM_001376265.1 and 3 more transcripts); short protein forms L197I.
Identifiers: ClinVar variation 1334727 (VCV001334727.4), dbSNP rs2135674847, ClinGen allele CA2573053533.